The following is an entry in ClinVar:

ClinVar aggregate classification (germline): Uncertain significance. Review status: criteria provided, multiple submitters, no conflicts (2 of 4 stars). 2 submissions from 2 submitters: Uncertain significance (2). Last evaluated 2026-09-02.

Conditions:
Cardiovascular phenotype. Identifiers: MedGen CN230736.

Allele frequency attached by ClinVar (database versions not stated): gnomAD 0.00005; gnomAD exomes 0.00001; ExAC 0.00004; ESP Exome Variant Server 0.00008; TOPMed 0.00008.
gnomAD v4.1: 28 of 1,614,100 alleles (0.0017%); highest among the groups gnomAD compares: Admixed American, 0.01%; no homozygotes.

Submissions (2):

Ambry Genetics
Classification: Uncertain significance for Cardiovascular phenotype. Last evaluated: 2026-09-02. Review status: criteria provided, single submitter. Criteria: Ambry Variant Classification Scheme 2023. Collection method: clinical testing. Allele origin: germline.
Comment: The c.3847C>T (p.R1283C) alteration is located in exon 27 (coding exon 26) of the ABCA1 gene. This alteration results from a C to T substitution at nucleotide position 3847, causing the arginine (R) at amino acid position 1283 to be replaced by a cysteine (C). Based on data from gnomAD, the T allele has an overall frequency of 0.002% (6/251454) total alleles studied. The highest observed frequency was 0.009% (2/21648) of European (Finnish) alleles. Based on insufficient or conflicting evidence, the clinical significance of this alteration remains unclear.

Labcorp Genetics (formerly Invitae), Labcorp
Classification: Uncertain significance. Last evaluated: 2022-07-23. Review status: criteria provided, single submitter. Criteria: Invitae Variant Classification Sherloc (09022015). Collection method: clinical testing. Allele origin: germline.
Comment: This sequence change replaces arginine, which is basic and polar, with cysteine, which is neutral and slightly polar, at codon 1283 of the ABCA1 protein (p.Arg1283Cys). This variant is present in population databases (rs367658137, gnomAD 0.009%). This variant has not been reported in the literature in individuals affected with ABCA1-related conditions. Advanced modeling of protein sequence and biophysical properties (such as structural, functional, and spatial information, amino acid conservation, physicochemical variation, residue mobility, and thermodynamic stability) performed at Invitae indicates that this missense variant is not expected to disrupt ABCA1 protein function. In summary, the available evidence is currently insufficient to determine the role of this variant in disease. Therefore, it has been classified as a Variant of Uncertain Significance.

NM_005502.4(ABCA1):c.3847C>T (p.Arg1283Cys)

Gene: ABCA1 (ATP binding cassette subfamily A member 1; minus strand). Cytogenetic location: 9q31.1.
Variant type: single nucleotide variant.
Coding change: c.3847C>T on transcript NM_005502.4 (MANE Select); coding-DNA position 3847, C replaced by T.
Protein change: p.Arg1283Cys; replaces arginine 1283 with cysteine.
Molecular consequence: missense variant.
Genome position (GRCh38, 1-based): chr9:104,814,172, G>A on the plus strand (C>T on the coding strand, the complement: ABCA1 is on the minus strand). VCF-style: chr9-104814172-G-A. GRCh37 (hg19) VCF-style: chr9-107576453-G-A.
Other names: c.3847C>T (NM_005502.3); short protein forms R1283C.
Identifiers: ClinVar variation 2184329 (VCV002184329.3), dbSNP rs367658137, ClinGen allele CA5168310.
Genomic context (GRCh38, chr9:104,814,172, plus strand): 5'-ACAGACCTGGGTCTATGTCAGAATCATTTGGATCAGCAGCATCATCTTCAGTGAACGGGC[G>A]AAGACAGCTCTGCTTGTCCCCGAAGGCCCGCCTGTTTCGTCTTGCTGGCAAGGTACCATC-3'
Protein context (NP_005493.2, residues 1273-1293): RAFGDKQSCL[Arg1283Cys]PFTEDDAADP